The following is an entry in ClinVar:

ClinVar aggregate classification (germline): Likely benign. Review status: criteria provided, multiple submitters, no conflicts (2 of 4 stars). 6 submissions from 6 submitters: Likely benign (6). Last evaluated 2026-09-21.

Conditions:
Kabuki syndrome. Also called: NIIKAWA-KUROKI SYNDROME; Kabuki make-up syndrome. Identifiers: Orphanet 2322, MedGen C0796004, MONDO:0016512.
KMT2D-related disorder. Also called: KMT2D-Related Disorders.
Inborn genetic diseases. Identifiers: MedGen C0950123, MeSH D030342.

Allele frequency attached by ClinVar (database versions not stated): gnomAD exomes 0.00005 and 0.00010; gnomAD 0.00007; TOPMed 0.00009; ExAC 0.00012; 1000 Genomes Project 30x 0.00016; 1000 Genomes Project 0.00020.

Submissions (6):

PreventionGenetics, part of Exact Sciences
Classification: Likely benign for KMT2D-related condition. Last evaluated: 2026-09-21. Review status: criteria provided, single submitter. Criteria: ACMG Guidelines, 2015. Collection method: clinical testing. Allele origin: germline.
Comment: This variant is classified as likely benign based on ACMG/AMP sequence variant interpretation guidelines (Richards et al. 2015 PMID: 25741868, with internal and published modifications).

CeGaT Center for Human Genetics Tuebingen
Classification: Likely benign. Last evaluated: 2026-02-01. Review status: criteria provided, single submitter. Criteria: CeGaT Center For Human Genetics Tuebingen Variant Classification Criteria Version 2. Collection method: clinical testing. Allele origin: germline. Affected: yes. Observed: 2 variant alleles.
Comment: KMT2D: PP2, PP3, BS2

Labcorp Genetics (formerly Invitae), Labcorp
Classification: Likely benign for Kabuki syndrome. Last evaluated: 2025-12-09. Review status: criteria provided, single submitter. Criteria: Invitae Variant Classification Sherloc (09022015). Collection method: clinical testing. Allele origin: germline.

Blueprint Genetics
Classification: Likely benign. Last evaluated: 2023-11-04. Review status: criteria provided, single submitter. Criteria: ACMG Guidelines, 2015. Collection method: clinical testing. Allele origin: germline.

Ambry Genetics
Classification: Likely benign for Inborn genetic diseases. Last evaluated: 2023-03-29. Review status: criteria provided, single submitter. Criteria: Ambry Variant Classification Scheme 2023. Collection method: clinical testing. Allele origin: germline.

GeneDx
Classification: Likely benign. Last evaluated: 2020-06-09. Review status: criteria provided, single submitter. Criteria: GeneDx Variant Classification Process June 2021. Collection method: clinical testing. Allele origin: germline. Affected: yes.

NM_003482.4(KMT2D):c.16214G>A (p.Arg5405His)

Gene: KMT2D (lysine methyltransferase 2D; minus strand). Cytogenetic location: 12q13.12.
Variant type: single nucleotide variant.
Coding change: c.16214G>A on transcript NM_003482.4 (MANE Select); coding-DNA position 16214, G replaced by A.
Protein change: p.Arg5405His; replaces arginine 5405 with histidine.
Molecular consequence: missense variant.
Genome position (GRCh38, 1-based): chr12:49,022,714, C>T on the plus strand (G>A on the coding strand, the complement: KMT2D is on the minus strand). VCF-style: chr12-49022714-C-T. GRCh37 (hg19) VCF-style: chr12-49416497-C-T.
Other names: short protein forms R5405H.
Identifiers: ClinVar variation 1181563 (VCV001181563.40), dbSNP rs566674356, ClinGen allele CA6545410.